The following is an entry in ClinVar:

NM_016729.3(FOLR1):c.281C>G (p.Pro94Arg)

Genes: FOLR1 (folate receptor alpha; plus strand), FOLR1-AS1 (FOLR1 antisense RNA 1; minus strand). Cytogenetic location: 11q13.4.
Variant type: single nucleotide variant.
Coding change: c.281C>G on transcript NM_016729.3 (MANE Select); coding-DNA position 281, C replaced by G.
Protein change: p.Pro94Arg; replaces proline 94 with arginine.
Molecular consequence: missense variant.
Genome position (GRCh38, 1-based): chr11:72,195,383, C>G. VCF-style: chr11-72195383-C-G. GRCh37 (hg19) VCF-style: chr11-71906427-C-G.
Other names: p.P94R:CCT>CGT; c.281C>G, p.Pro94Arg (NM_000802.3, NM_016724.3, NM_016725.3); short protein forms P94R.
Identifiers: ClinVar variation 205453 (VCV000205453.14), dbSNP rs759712157, ClinGen allele CA314538.

ClinVar aggregate classification (germline): Uncertain significance. Review status: criteria provided, multiple submitters, no conflicts (2 of 4 stars). 3 submissions from 3 submitters: Uncertain significance (3). Last evaluated 2025-04-15.

Conditions:
Inborn genetic diseases. Identifiers: MedGen C0950123, MeSH D030342.
Cerebral folate transport deficiency. Also called: Neurodegenerative syndrome due to cerebral folate transport deficiency; FOLR1-Related Cerebral Folate Transport Deficiency; FOLATE RECEPTOR DEFICIENCY; NEURODEGENERATION DUE TO CEREBRAL FOLATE TRANSPORT DEFICIENCY; Cerebral folate deficiency syndrome. Identifiers: Orphanet 217382, MedGen C2751584, MONDO:0013110, OMIM 613068. Disease mechanism: loss of function.

Allele frequency attached by ClinVar (database versions not stated): gnomAD 0.00001; ExAC 0.00002; gnomAD exomes 0.00003 and 0.00005; TOPMed 0.00003.
gnomAD v4.1: 16 of 1,614,090 alleles (0.00099%); highest among the groups gnomAD compares: Admixed American, 0.027%; no homozygotes.

Submissions (3):

GeneDx
Classification: Uncertain significance. Last evaluated: 2025-04-15. Review status: criteria provided, single submitter. Criteria: GeneDx Variant Classification Process June 2021. Collection method: clinical testing. Allele origin: germline. Affected: yes.
Comment: In silico analysis supports that this missense variant has a deleterious effect on protein structure/function; Has not been previously published as pathogenic or benign to our knowledge

Labcorp Genetics (formerly Invitae), Labcorp
Classification: Uncertain significance for Cerebral folate transport deficiency. Last evaluated: 2022-10-14. Review status: criteria provided, single submitter. Criteria: Invitae Variant Classification Sherloc (09022015). Collection method: clinical testing. Allele origin: germline.
Comment: This sequence change replaces proline, which is neutral and non-polar, with arginine, which is basic and polar, at codon 94 of the FOLR1 protein (p.Pro94Arg). This variant is present in population databases (rs759712157, gnomAD 0.04%). This variant has not been reported in the literature in individuals affected with FOLR1-related conditions. ClinVar contains an entry for this variant (Variation ID: 205453). Advanced modeling of protein sequence and biophysical properties (such as structural, functional, and spatial information, amino acid conservation, physicochemical variation, residue mobility, and thermodynamic stability) performed at Invitae indicates that this missense variant is not expected to disrupt FOLR1 protein function. In summary, the available evidence is currently insufficient to determine the role of this variant in disease. Therefore, it has been classified as a Variant of Uncertain Significance.

Ambry Genetics
Classification: Uncertain significance for Inborn genetic diseases. Last evaluated: 2016-06-13. Review status: criteria provided, single submitter. Criteria: Ambry Variant Classification Scheme 2023. Collection method: clinical testing. Allele origin: germline.
Comment: The p.P94R variant (also known as c.281C>G), located in coding exon 2 of the FOLR1 gene, results from a C to G substitution at nucleotide position 281. The proline at codon 94 is replaced by arginine, an amino acid with dissimilar properties. This variant was not reported in population based cohorts in the following databases: Database of Single Nucleotide Polymorphisms (dbSNP), NHLBI Exome Sequencing Project (ESP), and 1000 Genomes Project. In the ESP, this variant was not observed in 6493 samples (12986 alleles) with coverage at this position. This amino acid position is not well conserved in available vertebrate species. In addition, this alteration is predicted to be tolerated by in silico analysis. Since supporting evidence is limited at this time, the clinical significance of this variant remains unclear.